The following is an entry in ClinVar:

ClinVar aggregate classification (germline): Benign (1 of 4 stars; one submission).

Allele frequency attached by ClinVar (database versions not stated): TOPMed 0.19366; 1000 Genomes Project 0.19549; 1000 Genomes Project 30x 0.19582; gnomAD 0.20191 and 0.20223.
gnomAD v4.1: 100,424 of 482,074 alleles (21%); highest among the groups gnomAD compares: South Asian, 29%; 11,263 homozygotes.

Submission:

GeneDx
Classification: Benign. Last evaluated: 2018-06-14. Review status: criteria provided, single submitter. Criteria: GeneDx Variant Classification (06012015). Collection method: clinical testing. Allele origin: germline. Affected: yes.
Comment: This variant is considered likely benign or benign based on one or more of the following criteria: it is a conservative change, it occurs at a poorly conserved position in the protein, it is predicted to be benign by multiple in silico algorithms, and/or has population frequency not consistent with disease.

NM_002768.5(CHMP1A):c.106-235A>G

Gene: CHMP1A (charged multivesicular body protein 1A; minus strand). Cytogenetic location: 16q24.3.
Variant type: single nucleotide variant.
Coding change: c.106-235A>G on transcript NM_002768.5 (MANE Select); 235 bases into the intron before coding-DNA position 106, A replaced by G.
Molecular consequence: intron variant.
Genome position (GRCh38, 1-based): chr16:89,649,732, T>C on the plus strand (A>G on the coding strand, the complement: CHMP1A is on the minus strand). VCF-style: chr16-89649732-T-C. GRCh37 (hg19) VCF-style: chr16-89716140-T-C.
Other names: c.86-235A>G (NM_001083314.4).
Identifiers: ClinVar variation 679125 (VCV000679125.1), dbSNP rs145615852, ClinGen allele CA16532618.